The following is an entry in ClinVar:

NM_006950.3(SYN1):c.1228G>A (p.Val410Met)

Gene: SYN1 (synapsin I; minus strand). Cytogenetic location: Xp11.3.
Variant type: single nucleotide variant.
Coding change: c.1228G>A on transcript NM_006950.3 (MANE Select); coding-DNA position 1228, G replaced by A.
Protein change: p.Val410Met; replaces valine 410 with methionine.
Molecular consequence: missense variant.
Genome position (GRCh38, 1-based): chrX:47,575,205, C>T on the plus strand (G>A on the coding strand, the complement: SYN1 is on the minus strand). VCF-style: chrX-47575205-C-T. GRCh37 (hg19) VCF-style: chrX-47434604-C-T.
Other names: c.1228G>A, p.Val410Met (NM_133499.2); short protein forms V410M.
Identifiers: ClinVar variation 1722212 (VCV001722212.6), dbSNP rs1237229229, ClinGen allele CA412825637.

ClinVar aggregate classification (germline): Uncertain significance (1 of 4 stars; one submission).

Conditions:
Epilepsy, X-linked 1, with variable learning disabilities and behavior disorders. Also called: X-linked epilepsy-learning disabilities-behavior disorders syndrome. Identifiers: Orphanet 85294, MedGen C5774177, MONDO:0010339, OMIM 300491.

Allele frequency attached by ClinVar (database versions not stated): TOPMed below 0.00001.
gnomAD v4.1: 4 of 1,202,306 alleles (0.00033%); highest among the groups gnomAD compares: South Asian, 0.0072%; no homozygotes.

Submission:

Labcorp Genetics (formerly Invitae), Labcorp
Classification: Uncertain significance for Epilepsy, X-linked 1, with variable learning disabilities and behavior disorders. Last evaluated: 2022-10-26. Review status: criteria provided, single submitter. Criteria: Invitae Variant Classification Sherloc (09022015). Collection method: clinical testing. Allele origin: germline.
Comment: This sequence change replaces valine, which is neutral and non-polar, with methionine, which is neutral and non-polar, at codon 410 of the SYN1 protein (p.Val410Met). The frequency data for this variant in the population databases is considered unreliable, as metrics indicate poor data quality at this position in the gnomAD database. This variant has not been reported in the literature in individuals affected with SYN1-related conditions. Algorithms developed to predict the effect of missense changes on protein structure and function are either unavailable or do not agree on the potential impact of this missense change (SIFT: "Deleterious"; PolyPhen-2: "Probably Damaging"; Align-GVGD: "Class C0"). In summary, the available evidence is currently insufficient to determine the role of this variant in disease. Therefore, it has been classified as a Variant of Uncertain Significance.